The following is an entry in ClinVar:

NM_003982.4(SLC7A7):c.394C>T (p.Gln132Ter)

Gene: SLC7A7 (solute carrier family 7 member 7; minus strand). Cytogenetic location: 14q11.2.
Variant type: single nucleotide variant.
Coding change: c.394C>T on transcript NM_003982.4 (MANE Select); coding-DNA position 394, C replaced by T.
Protein change: p.Gln132Ter; replaces glutamine 132 with a stop codon.
Molecular consequence: nonsense.
Genome position (GRCh38, 1-based): chr14:22,813,005, G>A on the plus strand (C>T on the coding strand, the complement: SLC7A7 is on the minus strand). VCF-style: chr14-22813005-G-A. GRCh37 (hg19) VCF-style: chr14-23282214-G-A.
Other names: c.394C>T, p.Gln132Ter (NM_001126105.3, NM_001126106.4); short protein forms Q132*.
Identifiers: ClinVar variation 2092517 (VCV002092517.4), dbSNP rs2501974931, ClinGen allele CA388922119.

ClinVar aggregate classification (germline): Conflicting classifications of pathogenicity. Review status: criteria provided, conflicting classifications (1 of 4 stars). 2 submissions from 2 submitters: Pathogenic (1); Uncertain significance (1). Last evaluated 2022-02-03.

Conditions:
Lysinuric protein intolerance (LPI). Identifiers: Orphanet 470, MedGen C0268647, MONDO:0009109, OMIM 222700.

Allele frequency attached by ClinVar (database versions not stated): gnomAD exomes below 0.00001.
gnomAD v4.1: 1 of 1,614,026 alleles (0.000062%); highest among the groups gnomAD compares: Non-Finnish European, 0.000085%; no homozygotes.

Submissions (2):

Labcorp Genetics (formerly Invitae), Labcorp
Classification: Pathogenic for Lysinuric protein intolerance. Last evaluated: 2022-02-03. Review status: criteria provided, single submitter. Criteria: Invitae Variant Classification Sherloc (09022015). Collection method: clinical testing. Allele origin: germline.
Comment: This variant has not been reported in the literature in individuals affected with SLC7A7-related conditions. This variant is not present in population databases (gnomAD no frequency). This sequence change creates a premature translational stop signal (p.Gln132*) in the SLC7A7 gene. It is expected to result in an absent or disrupted protein product. Loss-of-function variants in SLC7A7 are known to be pathogenic (PMID: 10631139, 17764084). For these reasons, this variant has been classified as Pathogenic.

Neuberg Centre For Genomic Medicine, NCGM
Classification: Uncertain significance for Lysinuric protein intolerance. Review status: criteria provided, single submitter. Criteria: ACMG Guidelines, 2015. Collection method: clinical testing. Allele origin: germline. Inheritance: Autosomal recessive inheritance. Affected: yes.

Literature cited by the submitters: PubMed 10631139 (cited by Labcorp Genetics (formerly Invitae), Labcorp); PubMed 17764084 (cited by Labcorp Genetics (formerly Invitae), Labcorp).